The following is an entry in ClinVar:

ClinVar aggregate classification (germline): Pathogenic (1 of 4 stars; one submission).

Conditions:
Tuberous sclerosis 1 (TSC1). Identifiers: Orphanet 805, MedGen C1854465, MONDO:0008612, OMIM 191100.

Submission:

Labcorp Genetics (formerly Invitae), Labcorp
Classification: Pathogenic for Tuberous sclerosis 1. Last evaluated: 2021-07-31. Review status: criteria provided, single submitter. Criteria: Invitae Variant Classification Sherloc (09022015). Collection method: clinical testing. Allele origin: germline.
Comment: Disruption of this splice site has been observed in individuals with clinical features of tuberous sclerosis complex (PMID: 9863590; Invitae). This variant is not present in population databases (ExAC no frequency). This sequence change affects an acceptor splice site in intron 5 of the TSC1 gene. It is expected to disrupt RNA splicing. Variants that disrupt the donor or acceptor splice site typically lead to a loss of protein function (PMID: 16199547), and loss-of-function variants in TSC1 are known to be pathogenic (PMID: 10227394, 17304050). For these reasons, this variant has been classified as Pathogenic. Algorithms developed to predict the effect of sequence changes on RNA splicing suggest that this variant may disrupt the consensus splice site.

Literature cited by the submitters: PubMed 9863590; PubMed 16199547; PubMed 10227394; PubMed 17304050.

NM_000368.5(TSC1):c.364-1G>T

Gene: TSC1 (TSC complex subunit 1; minus strand). Cytogenetic location: 9q34.13.
Variant type: single nucleotide variant.
Coding change: c.364-1G>T on transcript NM_000368.5 (MANE Select); the canonical splice acceptor site of the intron before coding-DNA position 364, G replaced by T.
Molecular consequence: splice acceptor variant.
Genome position (GRCh38, 1-based): chr9:132,923,493, C>A on the plus strand (G>T on the coding strand, the complement: TSC1 is on the minus strand). VCF-style: chr9-132923493-C-A. GRCh37 (hg19) VCF-style: chr9-135798880-C-A.
Other names: c.-656-1G>T (NM_001406629.1); c.364-1G>T (NM_001406603.1, NM_001406609.1, NM_001406597.1 and 16 more transcripts); c.1-1G>T (NM_001406621.1, NM_001406617.1, NM_001406620.1 and 10 more transcripts); c.211-1G>T (NM_001406613.1, NM_001406612.1, NM_001406610.1 and 2 more transcripts); c.-514-1G>T (NM_001406627.1, NM_001406628.1, NM_001406626.1); c.-730-1G>T (NM_001406630.1).
Identifiers: ClinVar variation 1362028 (VCV001362028.6), dbSNP rs118203376, ClinGen allele CA375373783.